The following is an entry in ClinVar:

NC_000011.10:g.62841589_62841620del

Genes: RNU2-2 (RNA, U2 small nuclear 2; minus strand), WDR74 (WD repeat domain 74; minus strand). Cytogenetic location: 11q12.3.
Variant type: Deletion.
Molecular consequence: 5 prime UTR variant (on NM_001369451.1).
Genome position: GRCh38: chr11:62,841,589-62,841,620. GRCh37 (hg19): chr11:62,609,061-62,609,092.
Other names: c.-349_-318del (NM_001369451.1).
Identifiers: ClinVar variation 4540550 (VCV004540550.1).

ClinVar aggregate classification (germline): Uncertain significance (1 of 4 stars; one submission).

Submission:

Institute for Human Genetics, University Hospital Essen
Classification: Uncertain significance. Last evaluated: 2025-11-27. Review status: criteria provided, single submitter. Criteria: Submitter's publication. Collection method: clinical testing. Allele origin: inherited. Inheritance: Autosomal unknown. Affected: yes. Observed: 1 variant allele, 1 compound heterozygote.
Comment: PM2_supp, PM3 (criteria rationale detailed in Leitão et al. Nature Genetics 2026)